The following is an entry in ClinVar:

ClinVar aggregate classification (germline): Uncertain significance (1 of 4 stars; one submission).

Conditions:
Mendelian susceptibility to mycobacterial diseases due to complete IL12B deficiency. Also called: IL12B DEFICIENCY; Immunodeficiency 29. Identifiers: Orphanet 319558, MedGen C4013948, MONDO:0013954, OMIM 614890.

Allele frequency attached by ClinVar (database versions not stated): gnomAD exomes below 0.00001 and 0.00001; ExAC 0.00002; TOPMed 0.00002; gnomAD 0.00003 and 0.00004; ESP Exome Variant Server 0.00008.
gnomAD v4.1: 7 of 1,614,050 alleles (0.00043%); highest among the groups gnomAD compares: African/African-American, 0.008%; no homozygotes.

Submission:

Labcorp Genetics (formerly Invitae), Labcorp
Classification: Uncertain significance for Mendelian susceptibility to mycobacterial diseases due to complete IL12B deficiency. Last evaluated: 2021-08-27. Review status: criteria provided, single submitter. Criteria: Invitae Variant Classification Sherloc (09022015). Collection method: clinical testing. Allele origin: germline.
Comment: This sequence change replaces valine with isoleucine at codon 277 of the IL12B protein (p.Val277Ile). The valine residue is weakly conserved and there is a small physicochemical difference between valine and isoleucine. This variant is present in population databases (rs372475701, ExAC 0.02%). This variant has not been reported in the literature in individuals affected with IL12B-related conditions. Algorithms developed to predict the effect of missense changes on protein structure and function output the following: SIFT: "Tolerated"; PolyPhen-2: "Benign"; Align-GVGD: "Class C0". The isoleucine amino acid residue is found in multiple mammalian species, which suggests that this missense change does not adversely affect protein function. In summary, the available evidence is currently insufficient to determine the role of this variant in disease. Therefore, it has been classified as a Variant of Uncertain Significance.

NM_002187.3(IL12B):c.829G>A (p.Val277Ile)

Gene: IL12B (interleukin 12B; minus strand). Cytogenetic location: 5q33.3.
Variant type: single nucleotide variant.
Coding change: c.829G>A on transcript NM_002187.3 (MANE Select); coding-DNA position 829, G replaced by A.
Protein change: p.Val277Ile; replaces valine 277 with isoleucine.
Molecular consequence: missense variant.
Genome position (GRCh38, 1-based): chr5:159,318,762, C>T on the plus strand (G>A on the coding strand, the complement: IL12B is on the minus strand). VCF-style: chr5-159318762-C-T. GRCh37 (hg19) VCF-style: chr5-158745770-C-T.
Other names: short protein forms V277I.
Identifiers: ClinVar variation 1060110 (VCV001060110.6), dbSNP rs372475701, ClinGen allele CA3538711.